The following is an entry in ClinVar:

ClinVar aggregate classification (germline): Conflicting classifications of pathogenicity. Review status: criteria provided, conflicting classifications (1 of 4 stars). 12 submissions from 12 submitters: Uncertain significance (1); Benign (5); Likely benign (4). 2 of the submissions do not count toward it. Last evaluated 2026-07-01.

Conditions:
Cardiovascular phenotype. Identifiers: MedGen CN230736.
Dilated cardiomyopathy 1G (CMD1G). Identifiers: Orphanet 154, MedGen C1858763, MONDO:0011400, OMIM 604145.
Autosomal recessive limb-girdle muscular dystrophy type 2J (LGMDR10). Also called: Limb-girdle muscular dystrophy, type 2J; MUSCULAR DYSTROPHY, LIMB-GIRDLE, AUTOSOMAL RECESSIVE 10. Identifiers: Orphanet 140922, MedGen C1837342, MONDO:0012127, OMIM 608807.
Cardiomyopathy (CMYO). Also called: Cardiomyopathies. Identifiers: Orphanet 167848, MedGen C0878544, MONDO:0004994, HP:0001638. Inheritance: Various modes of inheritance.

Allele frequency attached by ClinVar (database versions not stated): 1000 Genomes Project 30x 0.00078; gnomAD 0.00084 and 0.00079; ESP Exome Variant Server 0.00107; gnomAD exomes 0.00009 and 0.00022; ExAC 0.00020; TOPMed 0.00096; 1000 Genomes Project 0.00040.

Submissions (12):

CeGaT Center for Human Genetics Tuebingen
Classification: Likely benign. Last evaluated: 2026-07-01. Review status: criteria provided, single submitter. Criteria: CeGaT Center For Human Genetics Tuebingen Variant Classification Criteria Version 2. Collection method: clinical testing. Allele origin: germline. Affected: yes. Observed: 3 variant alleles.
Comment: TTN: BP4, BP7

Molecular Diagnostic Laboratory for Inherited Cardiovascular Disease, Montreal Heart Institute
Classification: Benign. Last evaluated: 2026-03-27. Review status: criteria provided, single submitter. Criteria: ACMG Guidelines, 2015. Collection method: clinical testing. Allele origin: germline. Affected: no.

Labcorp Genetics (formerly Invitae), Labcorp
Classification: Benign for Dilated cardiomyopathy 1G; Autosomal recessive limb-girdle muscular dystrophy type 2J. Last evaluated: 2026-01-27. Review status: criteria provided, single submitter. Criteria: Invitae Variant Classification Sherloc (09022015). Collection method: clinical testing. Allele origin: germline.

Blueprint Genetics
Classification: Likely benign. Last evaluated: 2024-11-25. Review status: criteria provided, single submitter. Criteria: ACMG Guidelines, 2015. Collection method: clinical testing. Allele origin: germline.

Women's Health and Genetics/Laboratory Corporation of America, LabCorp
Classification: Likely benign. Last evaluated: 2023-09-26. Review status: criteria provided, single submitter. Criteria: LabCorp Variant Classification Summary - May 2015. Collection method: clinical testing. Allele origin: germline.

CHEO Genetics Diagnostic Laboratory, Children's Hospital of Eastern Ontario
Classification: Benign for Cardiomyopathy. Last evaluated: 2021-09-30. Review status: criteria provided, single submitter. Criteria: ACMG Guidelines, 2015. Collection method: clinical testing. Allele origin: germline.

Ambry Genetics
Classification: Likely benign for Cardiovascular phenotype. Last evaluated: 2018-10-23. Review status: criteria provided, single submitter. Criteria: Ambry Variant Classification Scheme 2023. Collection method: clinical testing. Allele origin: germline.

Eurofins Ntd Llc (ga)
Classification: Uncertain significance. Last evaluated: 2016-12-28. Review status: criteria provided, single submitter. Criteria: EGL Classification Definitions 2015. Collection method: clinical testing. Allele origin: germline. Observed: 4 variant alleles, 4 heterozygotes.

Athena Diagnostics
Classification: Benign. Last evaluated: 2016-10-28. Review status: criteria provided, single submitter. Criteria: Athena Diagnostics Criteria. Collection method: clinical testing. Allele origin: germline.

GeneDx
Classification: Benign. Last evaluated: 2014-05-09. Review status: criteria provided, single submitter. Criteria: GeneDx Variant Classification (06012015). Collection method: clinical testing. Allele origin: germline. Affected: yes.
Comment: This variant is considered likely benign or benign based on one or more of the following criteria: it is a conservative change, it occurs at a poorly conserved position in the protein, it is predicted to be benign by multiple in silico algorithms, and/or has population frequency not consistent with disease.

Clinical Genetics DNA and cytogenetics Diagnostics Lab, Erasmus MC, Erasmus Medical Center
Classification: Likely benign. Review status: no assertion criteria provided. Collection method: clinical testing. Allele origin: germline. Affected: yes. Study: VKGL Data-share Consensus. Not counted in ClinVar's aggregate classification.

Clinical Genetics, Academic Medical Center
Classification: Benign. Review status: no assertion criteria provided. Collection method: clinical testing. Allele origin: germline. Affected: yes. Study: VKGL Data-share Consensus. Not counted in ClinVar's aggregate classification.

NM_001267550.2(TTN):c.85248A>T (p.Thr28416=)

Genes: TTN (titin; minus strand), TTN-AS1 (TTN antisense RNA 1; plus strand). Cytogenetic location: 2q31.2.
Variant type: single nucleotide variant.
Coding change: c.85248A>T on transcript NM_001267550.2 (MANE Select); coding-DNA position 85248, A replaced by T.
Protein change: p.Thr28416=; no amino-acid change (threonine 28416 retained).
Molecular consequence: synonymous variant.
Genome position (GRCh38, 1-based): chr2:178,560,884, T>A on the plus strand (A>T on the coding strand, the complement: TTN is on the minus strand). VCF-style: chr2-178560884-T-A. GRCh37 (hg19) VCF-style: chr2-179425611-T-A.
Other names: p.T26775T:ACA>ACT; c.80325A>T, p.Thr26775= (NM_001256850.1); c.58053A>T, p.Thr19351= (NM_003319.4); c.77544A>T, p.Thr25848= (NM_133378.4); c.58428A>T, p.Thr19476= (NM_133432.3); c.58629A>T, p.Thr19543= (NM_133437.4).
Identifiers: ClinVar variation 137810 (VCV000137810.30), dbSNP rs187180708, ClinGen allele CA291475.